The following is an entry in ClinVar:

NM_019109.5(ALG1):c.1150G>A (p.Gly384Arg)

Gene: ALG1 (ALG1 chitobiosyldiphosphodolichol beta-mannosyltransferase; plus strand). Cytogenetic location: 16p13.3.
Variant type: single nucleotide variant.
Coding change: c.1150G>A on transcript NM_019109.5 (MANE Select); coding-DNA position 1150, G replaced by A.
Protein change: p.Gly384Arg; replaces glycine 384 with arginine.
Molecular consequence: missense variant.
Genome position (GRCh38, 1-based): chr16:5,082,636, G>A. VCF-style: chr16-5082636-G-A. GRCh37 (hg19) VCF-style: chr16-5132637-G-A.
Other names: c.817G>A, p.Gly273Arg (NM_001330504.2); short protein forms G273R, G384R.
Identifiers: ClinVar variation 690331 (VCV000690331.7), dbSNP rs1057520122, ClinGen allele CA394673908.

ClinVar aggregate classification (germline): Conflicting classifications of pathogenicity. Review status: criteria provided, conflicting classifications (1 of 4 stars). 4 submissions from 4 submitters: Likely pathogenic (1); Uncertain significance (2). 1 of the submissions does not count toward it. Last evaluated 2023-11-27.

Conditions:
Congenital disorder of glycosylation (CDG). Also called: Congenital disorders of glycosylation; Carbohydrate-deficient glycoprotein syndrome. Identifiers: Orphanet 137, MedGen C0282577, MONDO:0015286.
ALG1-congenital disorder of glycosylation. Also called: CONGENITAL DISORDER OF GLYCOSYLATION, TYPE Ik; CDG Ik; ALG1-CDG. Identifiers: Orphanet 79327, MedGen C2931005, MONDO:0012052, OMIM 608540.

Allele frequency attached by ClinVar (database versions not stated): gnomAD exomes below 0.00001; TOPMed 0.00001.
gnomAD v4.1: 18 of 1,611,750 alleles (0.0011%); highest among the groups gnomAD compares: Admixed American, 0.005%; no homozygotes.

Submissions (4):

Labcorp Genetics (formerly Invitae), Labcorp
Classification: Uncertain significance for ALG1-congenital disorder of glycosylation. Last evaluated: 2023-11-27. Review status: criteria provided, single submitter. Criteria: Invitae Variant Classification Sherloc (09022015). Collection method: clinical testing. Allele origin: germline.
Comment: This sequence change replaces glycine, which is neutral and non-polar, with arginine, which is basic and polar, at codon 384 of the ALG1 protein (p.Gly384Arg). This variant is present in population databases (no rsID available, gnomAD 0.003%). This variant has not been reported in the literature in individuals affected with ALG1-related conditions. ClinVar contains an entry for this variant (Variation ID: 690331). Advanced modeling of protein sequence and biophysical properties (such as structural, functional, and spatial information, amino acid conservation, physicochemical variation, residue mobility, and thermodynamic stability) performed at Invitae indicates that this missense variant is expected to disrupt ALG1 protein function with a positive predictive value of 80%. Algorithms developed to predict the effect of sequence changes on RNA splicing suggest that this variant may disrupt the consensus splice site. In summary, the available evidence is currently insufficient to determine the role of this variant in disease. Therefore, it has been classified as a Variant of Uncertain Significance.

Women's Health and Genetics/Laboratory Corporation of America, LabCorp
Classification: Likely pathogenic for ALG1-congenital disorder of glycosylation. Last evaluated: 2023-03-23. Review status: criteria provided, single submitter. Criteria: LabCorp Variant Classification Summary - May 2015. Collection method: clinical testing. Allele origin: germline.
Comment: Variant summary: ALG1 c.1150G>A (p.Gly384Arg) results in a non-conservative amino acid change located in the Glycosyl transferase, family 1 domain (IPR001296) of the encoded protein sequence. Five of five in-silico tools predict a damaging effect of the variant on protein function. The variant allele was found at a frequency of 4e-06 in 250422 control chromosomes (gnomAD). The variant, c.1150G>A, has been reported in the literature in at least two compound heterozygous individuals affected with Congenital Disorder of Glycosylation Type 1K (Ng_2016, AbuBakar_2022), and in one of these patients glycomics profiling revealed specific glycomarkers for the disease (AbuBakar_2022). These data indicate that the variant may be associated with disease. One of these publications also reported experimental evidence evaluating an impact on protein function, and demonstrated that the variant protein was not able to fully rescue growth in a yeast complementation assay, and was also unable to fully correct hypoglycosylation defects in the alg1-deficient yeast strain (Ng_2016). Three submitters have provided clinical-significance assessments for this variant in ClinVar after 2014, and classified the variant as uncertain significance (n=2) or likely pathogenic (n=1). Based on the evidence outlined above, the variant was classified as likely pathogenic.

Fulgent Genetics
Classification: Uncertain significance for ALG1-congenital disorder of glycosylation. Last evaluated: 2022-05-18. Review status: criteria provided, single submitter. Criteria: ACMG Guidelines, 2015. Collection method: clinical testing. Allele origin: unknown.

University of Washington Center for Mendelian Genomics, University of Washington
Classification: Likely pathogenic for Congenital disorder of glycosylation. Last evaluated: 2017-05-25. Review status: no assertion criteria provided. Collection method: research. Allele origin: unknown. Affected: yes. Not counted in ClinVar's aggregate classification.

Literature cited by the submitters: PubMed 26931382 (cited by Women's Health and Genetics/Laboratory Corporation of America, LabCorp and University of Washington Center for Mendelian Genomics, University of Washington); PubMed 35279850 (cited by Women's Health and Genetics/Laboratory Corporation of America, LabCorp).